The following is an entry in ClinVar:

NM_001283009.2(RTEL1):c.460G>A (p.Glu154Lys)

Genes: RTEL1 (regulator of telomere elongation helicase 1; plus strand), RTEL1-TNFRSF6B (RTEL1-TNFRSF6B readthrough (NMD candidate); plus strand). Cytogenetic location: 20q13.33.
Variant type: single nucleotide variant.
Coding change: c.460G>A on transcript NM_001283009.2 (MANE Select); coding-DNA position 460, G replaced by A.
Protein change: p.Glu154Lys; replaces glutamic acid 154 with lysine.
Molecular consequence: missense variant. On other transcripts: non-coding transcript variant (1), 5 prime UTR variant (1).
Genome position (GRCh38, 1-based): chr20:63,662,610, G>A. VCF-style: chr20-63662610-G-A. GRCh37 (hg19) VCF-style: chr20-62293963-G-A.
Other names: c.-210G>A (NM_001283010.1); c.460G>A, p.Glu154Lys (NM_016434.4); c.532G>A, p.Glu178Lys (NM_032957.5); short protein forms E154K, E178K.
Identifiers: ClinVar variation 3948406 (VCV003948406.1).

ClinVar aggregate classification (germline): Uncertain significance (1 of 4 stars; one submission).

Conditions:
Inborn genetic diseases. Identifiers: MedGen C0950123, MeSH D030342.

Submission:

Ambry Genetics
Classification: Uncertain significance for Inborn genetic diseases. Last evaluated: 2025-05-19. Review status: criteria provided, single submitter. Criteria: Ambry Variant Classification Scheme 2023. Collection method: clinical testing. Allele origin: germline.
Comment: The p.E154K variant (also known as c.460G>A), located in coding exon 4 of the RTEL1 gene, results from a G to A substitution at nucleotide position 460. The glutamic acid at codon 154 is replaced by lysine, an amino acid with similar properties. This amino acid position is conserved. In addition, the in silico prediction for this alteration is inconclusive. Based on the available evidence, the clinical significance of this variant remains unclear.